The following is an entry in ClinVar:

ClinVar aggregate classification (germline): Uncertain significance (1 of 4 stars; one submission).

Submission:

GeneDx
Classification: Uncertain significance. Last evaluated: 2024-09-06. Review status: criteria provided, single submitter. Criteria: GeneDx Variant Classification Process June 2021. Collection method: clinical testing. Allele origin: germline. Affected: yes.
Comment: Not observed at significant frequency in large population cohorts (gnomAD); In silico analysis supports that this missense variant has a deleterious effect on protein structure/function; Has not been previously published as pathogenic or benign to our knowledge; In silico analysis is inconclusive as to whether the variant alters gene splicing. In the absence of RNA/functional studies, the actual effect of this sequence change is unknown.

NM_017433.5(MYO3A):c.573G>T (p.Trp191Cys)

Gene: MYO3A (myosin IIIA; plus strand). Cytogenetic location: 10p12.1.
Variant type: single nucleotide variant.
Coding change: c.573G>T on transcript NM_017433.5 (MANE Select); coding-DNA position 573, G replaced by T.
Protein change: p.Trp191Cys; replaces tryptophan 191 with cysteine.
Molecular consequence: missense variant.
Genome position (GRCh38, 1-based): chr10:26,016,884, G>T. VCF-style: chr10-26016884-G-T. GRCh37 (hg19) VCF-style: chr10-26305813-G-T.
Other names: c.573G>T, p.Trp191Cys (NM_001368265.1); short protein forms W191C.
Identifiers: ClinVar variation 3767734 (VCV003767734.1).